The following is an entry in ClinVar:

NM_000161.3(GCH1):c.677T>A (p.Val226Glu)

Gene: GCH1 (GTP cyclohydrolase 1; minus strand). Cytogenetic location: 14q22.2.
Variant type: single nucleotide variant.
Coding change: c.677T>A on transcript NM_000161.3 (MANE Select); coding-DNA position 677, T replaced by A.
Protein change: p.Val226Glu; replaces valine 226 with glutamic acid.
Molecular consequence: missense variant. On other transcripts: intron variant (2).
Genome position (GRCh38, 1-based): chr14:54,844,093, A>T on the plus strand (T>A on the coding strand, the complement: GCH1 is on the minus strand). VCF-style: chr14-54844093-A-T. GRCh37 (hg19) VCF-style: chr14-55310811-A-T.
Other names: c.677T>A, p.Val226Glu (NM_001024024.2); c.627-1039T>A (NM_001024071.2); c.627-224T>A (NM_001024070.2); c.677T>A (NM_000161.2); short protein forms V226E.
Identifiers: ClinVar variation 1285492 (VCV001285492.6), dbSNP rs776426317, ClinGen allele CA7193509.
Genomic context (GRCh38, chr14:54,844,093, plus strand): 5'-GTCAGGAACTCTTCCCGAGTCTTTGGATCCTCCCGGAACACACCCAACATTGTGCTGGTC[A>T]CAGTTTTGCTGTTCATTTTCTGTACACCTCGCATTACCATACACATGTGTCTACAAAATA-3'
Protein context (NP_000152.1, residues 216-236): RGVQKMNSKT[Val226Glu]TSTMLGVFRE

ClinVar aggregate classification (germline): Uncertain significance. Review status: criteria provided, multiple submitters, no conflicts (2 of 4 stars). 2 submissions from 2 submitters: Uncertain significance (2). Last evaluated 2023-12-28.

Conditions:
Inborn genetic diseases. Identifiers: MedGen C0950123, MeSH D030342.
Dystonia 5 (DRD). Also called: DYT-GCH1; GTP Cyclohydrolase 1-Deficient Dopa-Responsive Dystonia; Dystonia, DOPA-responsive, with or without hyperphenylalaninemia; DYSTONIA, PROGRESSIVE, WITH DIURNAL VARIATION; DYSTONIA-PARKINSONISM WITH DIURNAL FLUCTUATION. Identifiers: Orphanet 98808, MedGen C1851920, MONDO:0007495, OMIM 128230.

Allele frequency attached by ClinVar (database versions not stated): gnomAD exomes below 0.00001; ExAC 0.00001.

Submissions (2):

Ambry Genetics
Classification: Uncertain significance for Inborn genetic diseases. Last evaluated: 2023-12-28. Review status: criteria provided, single submitter. Criteria: Ambry Variant Classification Scheme 2023. Collection method: clinical testing. Allele origin: germline.

Institute of Human Genetics, University of Leipzig Medical Center
Classification: Uncertain significance for Dystonia 5. Last evaluated: 2020-12-18. Review status: criteria provided, single submitter. Criteria: ACMG Guidelines, 2015. Collection method: clinical testing. Allele origin: maternal. Inheritance: Autosomal recessive inheritance. Affected: yes.
Comment: Criteria applied: PM3,PM1_SUP,PM2_SUP,PP3